The following is an entry in ClinVar:

ClinVar aggregate classification (germline): Likely pathogenic (1 of 4 stars; one submission).

Submission:

Dasa
Classification: Likely pathogenic. Last evaluated: 2025-08-11. Review status: criteria provided, single submitter. Criteria: DASA Assertion Criteria. Collection method: clinical testing. Allele origin: germline.
Comment: NM_000306.4(POU1F1):c.714dup (p.Pro239Thrfs*11) is a frameshift variant in POU1F1 predicted to alter the reading frame and introduce a premature termination codon and is predicted to result in an absent or altered protein product. Loss of function is an established disease mechanism for POU1F1-associated disorders. Also, this variant is absent from population databases. Based on the currently available evidence, this variant is classified as likely pathogenic.

NM_000306.4(POU1F1):c.714dup (p.Pro239fs)

Gene: POU1F1 (POU class 1 homeobox 1; minus strand). Cytogenetic location: 3p11.2.
Variant type: Duplication.
Coding change: c.714dup on transcript NM_000306.4 (MANE Select); coding-DNA position 714, one base duplicated (A; older notation c.714dupA).
Protein change: p.Pro239fs; shifts the reading frame from proline 239.
Molecular consequence: frameshift variant.
Genome position (GRCh38, 1-based): chr3:87,260,056, T duplicated on the plus strand (A on the coding strand, the reverse complement: POU1F1 is on the minus strand); the first of 3 consecutive T bases (chr3:87,260,056-87,260,058); duplicating any one gives the same sequence. VCF-style (leftmost placement, unchanged base first): chr3-87260055-G-GT. GRCh37 (hg19) VCF-style: chr3-87309205-G-GT.
Other names: c.792dup, p.Pro265fs (NM_001122757.3); short protein forms P239fs, P265fs.
Identifiers: ClinVar variation 4880552 (VCV004880552.2).